The following is an entry in ClinVar:

NM_004360.5(CDH1):c.1070C>T (p.Thr357Ile)

Gene: CDH1 (cadherin 1; plus strand). Cytogenetic location: 16q22.1.
Variant type: single nucleotide variant.
Coding change: c.1070C>T on transcript NM_004360.5 (MANE Select); coding-DNA position 1070, C replaced by T.
Protein change: p.Thr357Ile; replaces threonine 357 with isoleucine.
Molecular consequence: missense variant. On other transcripts: 5 prime UTR variant (2).
Genome position (GRCh38, 1-based): chr16:68,812,196, C>T. VCF-style: chr16-68812196-C-T. GRCh37 (hg19) VCF-style: chr16-68846099-C-T.
Other names: c.1070C>T, p.Thr357Ile (NM_001317184.2); c.-546C>T (NM_001317185.2); c.-750C>T (NM_001317186.2); short protein forms T357I.
Identifiers: ClinVar variation 1330073 (VCV001330073.5), dbSNP rs1260033180, ClinGen allele CA396460043.

ClinVar aggregate classification (germline): Uncertain significance. Review status: criteria provided, multiple submitters, no conflicts (2 of 4 stars). 3 submissions from 3 submitters: Uncertain significance (3). Last evaluated 2023-11-29.

Conditions:
Hereditary cancer-predisposing syndrome. Also called: Hereditary Cancer Syndrome; Tumor predisposition; Neoplastic Syndromes, Hereditary; Hereditary neoplastic syndrome. Identifiers: Orphanet 140162, MedGen C0027672, MeSH D009386, MONDO:0015356.

Allele frequency attached by ClinVar (database versions not stated): gnomAD exomes below 0.00001.
gnomAD v4.1: 2 of 1,614,128 alleles (0.00012%); highest among the groups gnomAD compares: African/African-American, 0.0013%; no homozygotes.

Submissions (3):

GeneDx
Classification: Uncertain significance. Last evaluated: 2023-11-29. Review status: criteria provided, single submitter. Criteria: GeneDx Variant Classification Process June 2021. Collection method: clinical testing. Allele origin: germline. Affected: yes.
Comment: Not observed at significant frequency in large population cohorts (gnomAD); In silico analysis supports that this missense variant has a deleterious effect on protein structure/function; Has not been previously published as pathogenic or benign to our knowledge; This variant is associated with the following publications: (PMID: 22470475, 11241409, 35582588, 15235021, 22850631)

Ambry Genetics
Classification: Uncertain significance for Hereditary cancer-predisposing syndrome. Last evaluated: 2023-06-07. Review status: criteria provided, single submitter. Criteria: Ambry Variant Classification Scheme 2023. Collection method: clinical testing. Allele origin: germline.
Comment: The p.T357I variant (also known as c.1070C>T), located in coding exon 8 of the CDH1 gene, results from a C to T substitution at nucleotide position 1070. The threonine at codon 357 is replaced by isoleucine, an amino acid with similar properties. This amino acid position is not well conserved in available vertebrate species. In addition, this alteration is predicted to be tolerated by in silico analysis. Since supporting evidence is limited at this time, the clinical significance of this alteration remains unclear.

Quest Diagnostics Nichols Institute San Juan Capistrano
Classification: Uncertain significance. Last evaluated: 2021-02-02. Review status: criteria provided, single submitter. Criteria: Quest Diagnostics criteria. Collection method: clinical testing. Allele origin: unknown.

Literature cited by the submitters: PubMed 22470475 (cited by Quest Diagnostics Nichols Institute San Juan Capistrano); PubMed 11241409 (cited by Quest Diagnostics Nichols Institute San Juan Capistrano).